The following is an entry in ClinVar:

ClinVar aggregate classification (germline): Uncertain significance (1 of 4 stars; one submission).

Allele frequency attached by ClinVar (database versions not stated): gnomAD 0.00001; TOPMed 0.00001; gnomAD exomes 0.00002.
gnomAD v4.1: 28 of 1,613,968 alleles (0.0017%); highest among the groups gnomAD compares: Non-Finnish European, 0.0024%; no homozygotes.

Submission:

Women's Health and Genetics/Laboratory Corporation of America, LabCorp
Classification: Uncertain significance. Last evaluated: 2023-08-18. Review status: criteria provided, single submitter. Criteria: LabCorp Variant Classification Summary - May 2015. Collection method: clinical testing. Allele origin: germline.
Comment: Variant summary: SLC25A20 c.646G>T (p.Gly216Trp) results in a non-conservative amino acid change in the encoded protein sequence. Five of five in-silico tools predict a damaging effect of the variant on protein function. The variant allele was found at a frequency of 4e-06 in 251146 control chromosomes. c.646G>T has been reported in the literature in a homozygous infant affected with Carnitine-Acylcarnitine Translocase Deficiency (Ryder_2021). These data indicate that the variant may be associated with disease. To our knowledge, no experimental evidence demonstrating an impact on protein function has been reported. The following publication have been ascertained in the context of this evaluation (PMID: 33634872). No submitters have cited clinical-significance assessments for this variant to ClinVar after 2014. Based on the evidence outlined above, the variant was classified as VUS-possibly pathogenic.

Literature cited by the submitters: PubMed 33634872.

NM_000387.6(SLC25A20):c.646G>T (p.Gly216Trp)

Gene: SLC25A20 (solute carrier family 25 member 20; minus strand). Cytogenetic location: 3p21.31.
Variant type: single nucleotide variant.
Coding change: c.646G>T on transcript NM_000387.6 (MANE Select); coding-DNA position 646, G replaced by T.
Protein change: p.Gly216Trp; replaces glycine 216 with tryptophan.
Molecular consequence: missense variant.
Genome position (GRCh38, 1-based): chr3:48,859,164, C>A on the plus strand (G>T on the coding strand, the complement: SLC25A20 is on the minus strand). VCF-style: chr3-48859164-C-A. GRCh37 (hg19) VCF-style: chr3-48896597-C-A.
Other names: short protein forms G216W.
Identifiers: ClinVar variation 2581195 (VCV002581195.1), dbSNP rs773951610, ClinGen allele CA73981005.